The following is an entry in ClinVar:

ClinVar aggregate classification (germline): Conflicting classifications of pathogenicity. Review status: criteria provided, conflicting classifications (1 of 4 stars). 7 submissions from 7 submitters: Likely pathogenic (2); Uncertain significance (5). Last evaluated 2025-08-18.

Conditions:
Medium-chain acyl-coenzyme A dehydrogenase deficiency (ACADMD). Also called: MCAD Deficiency; ACADM DEFICIENCY; MCADD; Medium chain acyl-CoA dehydrogenase deficiency; CARNITINE DEFICIENCY SECONDARY TO MEDIUM-CHAIN ACYL-CoA DEHYDROGENASE DEFICIENCY; MCADH DEFICIENCY. Identifiers: Orphanet 42, MedGen C0220710, MONDO:0008721, OMIM 201450.

Allele frequency attached by ClinVar (database versions not stated): gnomAD exomes below 0.00001; gnomAD 0.00001; TOPMed 0.00002; ESP Exome Variant Server 0.00008.
gnomAD v4.1: 4 of 1,613,646 alleles (0.00025%); highest among the groups gnomAD compares: East Asian, 0.0022%; no homozygotes.

Submissions (7):

Natera, Inc.
Classification: Likely pathogenic for Medium Chain Acyl-CoA Dehydrogenase Deficiency. Last evaluated: 2025-08-18. Review status: criteria provided, single submitter. Criteria: Natera Variant Classification Schema (03/2026). Collection method: clinical testing. Allele origin: germline.
Comment: The c.296G>T variant in ACADM is a missense variant predicted to cause substitution of glycine to valine at amino acid 99. This variant is rare in the general population with a frequency below the threshold expected for the associated phenotype(s). This variant has been observed in one or more individuals affected with the associated recessive disease, as either homozygous or compound heterozygous with a second variant (PMID: 40660651). This variant has been identified in one or more affected individual with a phenotype highly consistent with the associated gene (PMID: 40660651). Computational prediction algorithms indicate this variant is likely to affect gene or protein function. Given the available evidence, this variant is classified as Likely Pathogenic.

Revvity Omics, Revvity
Classification: Uncertain significance for Medium-chain acyl-coenzyme A dehydrogenase deficiency. Last evaluated: 2025-04-30. Review status: criteria provided, single submitter. Criteria: ACMG Guidelines, 2015. Collection method: clinical testing. Allele origin: germline.

GeneDx
Classification: Uncertain significance. Last evaluated: 2024-12-18. Review status: criteria provided, single submitter. Criteria: GeneDx Variant Classification Process June 2021. Collection method: clinical testing. Allele origin: germline. Affected: yes.
Comment: Reported in a cohort of individuals with inborn errors of metabolism (PMID: 32778825); Not observed at significant frequency in large population cohorts (gnomAD); In silico analysis supports that this missense variant has a deleterious effect on protein structure/function; In silico analysis is inconclusive as to whether the variant alters gene splicing. In the absence of RNA/functional studies, the actual effect of this sequence change is unknown.; Also known as p.(G74V); This variant is associated with the following publications: (PMID: 32778825)

Labcorp Genetics (formerly Invitae), Labcorp
Classification: Likely pathogenic for Medium-chain acyl-coenzyme A dehydrogenase deficiency. Last evaluated: 2024-08-31. Review status: criteria provided, single submitter. Criteria: Invitae Variant Classification Sherloc (09022015). Collection method: clinical testing. Allele origin: germline.
Comment: This sequence change replaces glycine, which is neutral and non-polar, with valine, which is neutral and non-polar, at codon 99 of the ACADM protein (p.Gly99Val). This variant is not present in population databases (gnomAD no frequency). This missense change has been observed in individual(s) with medium chain acyl-CoA dehydrogenase (MCAD) deficiency (internal data). In at least one individual the data is consistent with being in trans (on the opposite chromosome) from a pathogenic variant. ClinVar contains an entry for this variant (Variation ID: 226063). Invitae Evidence Modeling of protein sequence and biophysical properties (such as structural, functional, and spatial information, amino acid conservation, physicochemical variation, residue mobility, and thermodynamic stability) indicates that this missense variant is expected to disrupt ACADM protein function with a positive predictive value of 80%. Algorithms developed to predict the effect of sequence changes on RNA splicing suggest that this variant may disrupt the consensus splice site. In summary, the currently available evidence indicates that the variant is pathogenic, but additional data are needed to prove that conclusively. Therefore, this variant has been classified as Likely Pathogenic.

Fulgent Genetics
Classification: Uncertain significance for Medium-chain acyl-coenzyme A dehydrogenase deficiency. Last evaluated: 2018-10-31. Review status: criteria provided, single submitter. Criteria: ACMG Guidelines, 2015. Collection method: clinical testing. Allele origin: unknown.

Eurofins Ntd Llc (ga)
Classification: Uncertain significance. Last evaluated: 2015-10-01. Review status: criteria provided, single submitter. Criteria: EGL Classification Definitions 2015. Collection method: clinical testing. Allele origin: germline. Observed: 1 variant allele, 1 heterozygote.

ARUP Laboratories, Molecular Genetics and Genomics, ARUP Laboratories
Classification: Uncertain significance for Medium-chain acyl-coenzyme A dehydrogenase deficiency. Last evaluated: 2015-02-20. Review status: criteria provided, single submitter. Criteria: ACMG Guidelines, 2015. Collection method: clinical testing. Allele origin: germline. Inheritance: Autosomal recessive inheritance. Observed: 1 heterozygote.

Literature cited by the submitters: PubMed 40660651 (cited by Natera, Inc.).

NM_000016.6(ACADM):c.296G>T (p.Gly99Val)

Gene: ACADM (acyl-CoA dehydrogenase medium chain; plus strand). Cytogenetic location: 1p31.1.
Variant type: single nucleotide variant.
Coding change: c.296G>T on transcript NM_000016.6 (MANE Select); coding-DNA position 296, G replaced by T.
Protein change: p.Gly99Val; replaces glycine 99 with valine.
Molecular consequence: missense variant. On other transcripts: intron variant (1).
Genome position (GRCh38, 1-based): chr1:75,733,537, G>T. VCF-style: chr1-75733537-G-T. GRCh37 (hg19) VCF-style: chr1-76199222-G-T.
Other names: c.308G>T, p.Gly103Val (NM_001127328.3); c.188G>T, p.Gly63Val (NM_001286042.2); c.395G>T, p.Gly132Val (NM_001286043.2); c.-100+615G>T (NM_001286044.2); c.296G>T (NM_000016.5); short protein forms G103V, G99V, G132V, G63V.
Identifiers: ClinVar variation 226063 (VCV000226063.24), dbSNP rs370608001, ClinGen allele CA10576223.